The following is an entry in ClinVar:

ClinVar aggregate classification (germline): Pathogenic (1 of 4 stars; one submission).

Conditions:
Nemaline myopathy 2 (NEM2). Also called: Nemaline myopathy 2, autosomal recessive. Identifiers: MedGen C1850569, MONDO:0009725, OMIM 256030.

Submission:

Labcorp Genetics (formerly Invitae), Labcorp
Classification: Pathogenic for Nemaline myopathy 2. Last evaluated: 2023-03-15. Review status: criteria provided, single submitter. Criteria: Invitae Variant Classification Sherloc (09022015). Collection method: clinical testing. Allele origin: germline.
Comment: For these reasons, this variant has been classified as Pathogenic. ClinVar contains an entry for this variant (Variation ID: 2128103). This variant has not been reported in the literature in individuals affected with NEB-related conditions. The frequency data for this variant in the population databases (gnomAD) is considered unreliable due to the presence of homologous sequence, such as pseudogenes or paralogs, in the genome. This sequence change creates a premature translational stop signal (p.Ala4462Valfs*7) in the NEB gene. It is expected to result in an absent or disrupted protein product. Loss-of-function variants in NEB are known to be pathogenic (PMID: 25205138). This variant occurs in a region of NEB (Exons 82-105) consisting of three highly homologous 8-exon repeat units (exons 82-89, exons 90-97, exons 98-105). Sequence variants in this region can be detected, but this assay cannot determine which of the three repeat units is affected, and zygosity is often ambiguous. All variants in this region are reported relative to the exon 82-89 repeat.

Literature cited by the submitters: PubMed 25205138.

NM_001164508.2(NEB):c.13385del (p.Ala4462fs)

Gene: NEB (nebulin; minus strand). Cytogenetic location: 2q23.3.
Variant type: Deletion.
Coding change: c.13385del on transcript NM_001164508.2 (MANE Select); coding-DNA position 13385, one base deleted (C; older notation c.13385delC).
Protein change: p.Ala4462fs; shifts the reading frame from alanine 4462.
Molecular consequence: frameshift variant. On other transcripts: intron variant (1).
Genome position (GRCh38, 1-based): chr2:151,601,992, G deleted on the plus strand (C on the coding strand, the reverse complement: NEB is on the minus strand). VCF-style (leftmost placement, unchanged base first): chr2-151601991-AG-A. GRCh37 (hg19) VCF-style: chr2-152458505-AG-A.
Other names: c.13385del, p.Ala4462fs (NM_001164507.2, NM_001271208.2); c.11601+7817del (NM_004543.5); short protein forms A4462fs.
Identifiers: ClinVar variation 2128103 (VCV002128103.4), dbSNP rs2552220876, ClinGen allele CA2580063939.
Genomic context (GRCh38, chr2:151,601,991, plus strand): 5'-ATGCTGGATCCCAATGGCATCTGCTCGCAGGTCATAACCAGTCATCTTGACATCTTCCCA[AG>A]CTTGCTGATAGCGTTTCTGCAAACAGAGAGTGCAATGCCACAGTCAGTCTGAAGAGGGAG-3'